The following is an entry in ClinVar:

NM_000553.6(WRN):c.2431G>T (p.Val811Leu)

Gene: WRN (WRN RecQ like helicase; plus strand). Cytogenetic location: 8p12.
Variant type: single nucleotide variant.
Coding change: c.2431G>T on transcript NM_000553.6 (MANE Select); coding-DNA position 2431, G replaced by T.
Protein change: p.Val811Leu; replaces valine 811 with leucine.
Molecular consequence: missense variant.
Genome position (GRCh38, 1-based): chr8:31,116,511, G>T. VCF-style: chr8-31116511-G-T. GRCh37 (hg19) VCF-style: chr8-30974027-G-T.
Other names: short protein forms V811L.
Identifiers: ClinVar variation 580066 (VCV000580066.10), dbSNP rs1563361058, ClinGen allele CA370914050.

ClinVar aggregate classification (germline): Uncertain significance. Review status: criteria provided, multiple submitters, no conflicts (2 of 4 stars). 2 submissions from 2 submitters: Uncertain significance (2). Last evaluated 2022-07-21.

Conditions:
Werner syndrome (WRN). Identifiers: Orphanet 902, MedGen C0043119, MONDO:0010196, OMIM 277700.

Allele frequency attached by ClinVar (database versions not stated): gnomAD exomes 0.00001.
gnomAD v4.1: 4 of 1,613,896 alleles (0.00025%); highest among the groups gnomAD compares: Non-Finnish European, 0.00025%; no homozygotes.

Submissions (2):

Labcorp Genetics (formerly Invitae), Labcorp
Classification: Uncertain significance for Werner syndrome. Last evaluated: 2022-07-21. Review status: criteria provided, single submitter. Criteria: Invitae Variant Classification Sherloc (09022015). Collection method: clinical testing. Allele origin: germline.
Comment: In summary, the available evidence is currently insufficient to determine the role of this variant in disease. Therefore, it has been classified as a Variant of Uncertain Significance. Algorithms developed to predict the effect of sequence changes on RNA splicing suggest that this variant may disrupt the consensus splice site. Algorithms developed to predict the effect of missense changes on protein structure and function output the following: SIFT: "Not Available"; PolyPhen-2: "Benign"; Align-GVGD: "Not Available". The leucine amino acid residue is found in multiple mammalian species, which suggests that this missense change does not adversely affect protein function. ClinVar contains an entry for this variant (Variation ID: 580066). This variant has not been reported in the literature in individuals affected with WRN-related conditions. This variant is not present in population databases (gnomAD no frequency). This sequence change replaces valine, which is neutral and non-polar, with leucine, which is neutral and non-polar, at codon 811 of the WRN protein (p.Val811Leu).

Institute for Clinical Genetics, University Hospital TU Dresden, University Hospital TU Dresden
Classification: Uncertain significance. Last evaluated: 2021-11-03. Review status: criteria provided, single submitter. Criteria: ACMG Guidelines, 2015. Collection method: clinical testing. Allele origin: germline.